The following is an entry in ClinVar:

NM_021871.4(FGA):c.187A>T (p.Lys63Ter)

Gene: FGA (fibrinogen alpha chain; minus strand). Cytogenetic location: 4q31.3.
Variant type: single nucleotide variant.
Coding change: c.187A>T on transcript NM_021871.4 (MANE Select); coding-DNA position 187, A replaced by T.
Protein change: p.Lys63Ter; replaces lysine 63 with a stop codon.
Molecular consequence: nonsense.
Genome position (GRCh38, 1-based): chr4:154,588,970, T>A on the plus strand (A>T on the coding strand, the complement: FGA is on the minus strand). VCF-style: chr4-154588970-T-A. GRCh37 (hg19) VCF-style: chr4-155510122-T-A.
Other names: c.187A>T (LRG_557t2); c.187A>T, p.Lys63Ter (NM_000508.5); short protein forms K63*.
Identifiers: ClinVar variation 3902682 (VCV003902682.1), dbSNP rs1184440187.

ClinVar aggregate classification (germline): Pathogenic (1 of 4 stars; one submission).

Conditions:
Familial dysfibrinogenemia. Also called: Dysfibrinogenemia, congenital. Identifiers: Orphanet 335, Orphanet 98881, MedGen C0272350, MONDO:0014452, OMIM 616004.

Allele frequency attached by ClinVar (database versions not stated): TOPMed below 0.00001; gnomAD 0.00001.
gnomAD v4.1: 1 of 1,612,910 alleles (0.000062%); no homozygotes.

Submission:

Women's Health and Genetics/Laboratory Corporation of America, LabCorp
Classification: Pathogenic for Familial dysfibrinogenemia. Last evaluated: 2025-05-27. Review status: criteria provided, single submitter. Criteria: LabCorp Variant Classification Summary - May 2015. Collection method: clinical testing. Allele origin: germline.
Comment: Variant summary: FGA c.187A>T (p.Lys63X) results in a premature termination codon, predicted to cause a truncation of the encoded protein or absence of the protein due to nonsense mediated decay, which are commonly known mechanisms for disease. The variant allele was found at a frequency of 6.2e-07 in 1605960 control chromosomes (gnomAD). To our knowledge, no occurrence of c.187A>T in individuals affected with Dysfibrinogenemia, Congenital and no experimental evidence demonstrating its impact on protein function have been reported. ClinVar contains an entry for this variant (Variation ID: 632436). Based on the evidence outlined above, the variant was classified as pathogenic.